The following is an entry in ClinVar:

NM_000059.4(BRCA2):c.2557dup (p.Gln853fs)

Gene: BRCA2 (BRCA2 DNA repair associated; plus strand). Cytogenetic location: 13q13.1.
Variant type: Duplication.
Coding change: c.2557dup on transcript NM_000059.4 (MANE Select); coding-DNA position 2557, one base duplicated (C; older notation c.2557dupC).
Protein change: p.Gln853fs; shifts the reading frame from glutamine 853.
Molecular consequence: frameshift variant. On other transcripts: non-coding transcript variant (1), intron variant (2).
Genome position (GRCh38, 1-based): chr13:32,336,912, C duplicated; the last of 2 consecutive C bases (chr13:32,336,911-32,336,912); duplicating either gives the same sequence. VCF-style (leftmost placement, unchanged base first): chr13-32336910-A-AC. GRCh37 (hg19) VCF-style: chr13-32911047-A-AC.
Other names: c.2557dup, p.Gln853fs (NM_001406719.1, NM_001406720.1, NM_001432077.1); c.1909+3525dup (NM_001406721.1); c.424+5882dup (NM_001406722.1); short protein forms Q853fs.
Identifiers: ClinVar variation 5019535 (VCV005019535.2).

ClinVar aggregate classification (germline): Pathogenic (1 of 4 stars; one submission).

Conditions:
Breast-ovarian cancer, familial, susceptibility to, 2 (BROVCA2). Also called: BRCA2 Hereditary Breast and Ovarian Cancer. Identifiers: Orphanet 145, MedGen C2675520, MONDO:0012933, OMIM 612555. Disease mechanism: loss of function.

Submission:

Juno Genomics, Hangzhou Juno Genomics, Inc
Classification: Pathogenic for Breast-ovarian cancer, familial, susceptibility to, 2. Review status: criteria provided, single submitter. Criteria: ACMG Guidelines, 2015. Collection method: clinical testing. Allele origin: germline.
Comment: Absent from controls (or at extremely low frequency if recessive) in Genome Aggregation Database.;Null variant in a gene where loss of function (LOF) is a known mechanism of disease.;Novel missense change at an amino acid residue where a different missense change determined to be pathogenic has been seen before.